The following is an entry in ClinVar:

NM_003482.4(KMT2D):c.16469_16470del (p.Lys5490fs)

Gene: KMT2D (lysine methyltransferase 2D; minus strand). Cytogenetic location: 12q13.12.
Variant type: Deletion.
Coding change: c.16469_16470del on transcript NM_003482.4 (MANE Select); coding-DNA positions 16469 to 16470, 2 bases deleted (AA; older notation c.16469_16470delAA).
Protein change: p.Lys5490fs; shifts the reading frame from lysine 5490.
Molecular consequence: frameshift variant.
Genome position (GRCh38, 1-based): chr12:49,022,094-49,022,095, TT deleted on the plus strand (AA on the coding strand, the reverse complement: KMT2D is on the minus strand); deleting any 2 consecutive bases within chr12:49,022,094-49,022,096 gives the same sequence; the c. name uses the placement nearest the transcript's 3' end. VCF-style (leftmost placement, unchanged base first): chr12-49022093-CTT-C. GRCh37 (hg19) VCF-style: chr12-49415876-CTT-C.
Other names: short protein forms K5490fs.
Identifiers: ClinVar variation 1172600 (VCV001172600.3), dbSNP rs1555184624, ClinGen allele CA645594422.

ClinVar aggregate classification (germline): Pathogenic. Review status: criteria provided, multiple submitters, no conflicts (2 of 4 stars). 3 submissions from 3 submitters: Pathogenic (3). Last evaluated 2025-10-10.

Conditions:
Seizure. Also called: Seizures. Identifiers: MedGen C0036572, HP:0001250.
Kabuki syndrome 1 (KABUK1). Also called: KMT2D-Related Kabuki Syndrome. Identifiers: Orphanet 2322, MedGen CN030661, MONDO:0007843, OMIM 147920.

Submissions (3):

Genetics and Genomic Medicine Centre, NeuroGen Healthcare, NeuroGen Healthcare
Classification: Pathogenic for Kabuki syndrome 1. Last evaluated: 2025-10-10. Review status: criteria provided, single submitter. Criteria: ACMG Guidelines, 2015. Collection method: clinical testing. Allele origin: unknown. Affected: yes.

3billion
Classification: Pathogenic for Kabuki syndrome 1. Last evaluated: 2022-01-03. Review status: criteria provided, single submitter. Criteria: ACMG Guidelines, 2015. Collection method: clinical testing. Allele origin: germline. Affected: yes. Observed: 1 heterozygote.
Comment: Frameshift: predicted to result in a loss or disruption of normal protein function through protein truncation. Multiple pathogenic variants are reported in the predicted truncated region (PVS1_VS). It is not observed in the gnomAD v2.1.1 dataset (PM2_M). The variant has been reported to be associated with KMT2D related disorder (ClinVar ID: VCV001172600, PMID:21658225). Therefore, this variant is classified as pathogenic according to the recommendation of ACMG/AMP guideline.

Equipe Genetique des Anomalies du Developpement, Université de Bourgogne
Classification: Pathogenic for Seizure. Review status: criteria provided, single submitter. Criteria: ACMG Guidelines, 2015. Collection method: research. Allele origin: de novo. Affected: yes.

Literature cited by the submitters: PubMed 21658225 (cited by 3billion).